The following is an entry in ClinVar:

ClinVar aggregate classification (germline): Likely benign (0 of 4 stars; one submission).

Conditions:
SLC29A4-related disorder. Also called: SLC29A4-related condition.

Allele frequency attached by ClinVar (database versions not stated): gnomAD exomes below 0.00001.
gnomAD v4.1: 1 of 1,612,104 alleles (0.000062%); highest among the groups gnomAD compares: South Asian, 0.0011%; no homozygotes.

Submission:

PreventionGenetics, part of Exact Sciences
Classification: Likely benign for SLC29A4-related condition. Last evaluated: 2019-04-10. Review status: no assertion criteria provided. Collection method: clinical testing. Allele origin: germline.
Comment: This variant is classified as likely benign based on ACMG/AMP sequence variant interpretation guidelines (Richards et al. 2015 PMID: 25741868, with internal and published modifications).

NM_153247.4(SLC29A4):c.1056G>C (p.Val352=)

Gene: SLC29A4 (solute carrier family 29 member 4; plus strand). Cytogenetic location: 7p22.1.
Variant type: single nucleotide variant.
Coding change: c.1056G>C on transcript NM_153247.4 (MANE Select); coding-DNA position 1056, G replaced by C.
Protein change: p.Val352=; no amino-acid change (valine 352 retained).
Molecular consequence: synonymous variant.
Genome position (GRCh38, 1-based): chr7:5,299,274, G>C. VCF-style: chr7-5299274-G-C. GRCh37 (hg19) VCF-style: chr7-5338905-G-C.
Other names: c.1056G>C, p.Val352= (NM_001040661.3); c.1014G>C, p.Val338= (NM_001300847.3).
Identifiers: ClinVar variation 3058477 (VCV003058477.2), dbSNP rs1453383777, ClinGen allele CA453634129.